The following is an entry in ClinVar:

NM_016203.4(PRKAG2):c.1482G>A (p.Val494=)

Gene: PRKAG2 (protein kinase AMP-activated non-catalytic subunit gamma 2; minus strand). Cytogenetic location: 7q36.1.
Variant type: single nucleotide variant.
Coding change: c.1482G>A on transcript NM_016203.4 (MANE Select); coding-DNA position 1482, G replaced by A.
Protein change: p.Val494=; no amino-acid change (valine 494 retained).
Molecular consequence: synonymous variant.
Genome position (GRCh38, 1-based): chr7:151,564,180, C>T on the plus strand (G>A on the coding strand, the complement: PRKAG2 is on the minus strand). VCF-style: chr7-151564180-C-T. GRCh37 (hg19) VCF-style: chr7-151261266-C-T.
Other names: c.1350G>A, p.Val450= (NM_001040633.2); c.1107G>A, p.Val369= (NM_001304527.2); c.759G>A, p.Val253= (NM_001304531.2, NM_024429.2); c.1110G>A, p.Val370= (NM_001363698.2).
Identifiers: ClinVar variation 629538 (VCV000629538.4), dbSNP rs770308227, ClinGen allele CA055243.

ClinVar aggregate classification (germline): Likely benign. Review status: criteria provided, multiple submitters, no conflicts (2 of 4 stars). 3 submissions from 3 submitters: Likely benign (3). Last evaluated 2026-08-16.

Conditions:
Cardiomyopathy (CMYO). Also called: Cardiomyopathies. Identifiers: Orphanet 167848, MedGen C0878544, MONDO:0004994, HP:0001638. Inheritance: Various modes of inheritance.
Hypertrophic cardiomyopathy. Also called: HYPERTROPHIC MYOCARDIOPATHY. Identifiers: Orphanet 217569, MedGen C0007194, MeSH D002312, MONDO:0005045, HP:0001639.
Cardiovascular phenotype. Identifiers: MedGen CN230736.

Allele frequency attached by ClinVar (database versions not stated): TOPMed 0.00001; gnomAD exomes below 0.00001; ExAC 0.00001.

Submissions (3):

Ambry Genetics
Classification: Likely benign for Cardiovascular phenotype. Last evaluated: 2026-08-16. Review status: criteria provided, single submitter. Criteria: Ambry Variant Classification Scheme 2023. Collection method: clinical testing. Allele origin: germline.

All of Us Research Program, National Institutes of Health
Classification: Likely benign for Hypertrophic cardiomyopathy. Last evaluated: 2024-02-05. Review status: criteria provided, single submitter. Criteria: ACMG Guidelines, 2015. Collection method: clinical testing. Allele origin: germline. Inheritance: Autosomal dominant inheritance. Observed: 1 variant allele, 1 heterozygote.
Comment: This study involves interpretation of variants in research participants for the purpose of population health screening. Participant phenotype was not available at the time of variant classification. Additional details can be found in publication PMID: 35346344, PMCID: PMC8962531

Color Diagnostics, LLC DBA Color Health
Classification: Likely benign for Cardiomyopathy. Last evaluated: 2018-10-16. Review status: criteria provided, single submitter. Criteria: ACMG Guidelines, 2015. Collection method: clinical testing. Allele origin: germline.